The following is an entry in ClinVar:

NM_001256071.3(RNF213):c.2509G>A (p.Glu837Lys)

Gene: RNF213 (ring finger protein 213; plus strand). Cytogenetic location: 17q25.3.
Variant type: single nucleotide variant.
Coding change: c.2509G>A on transcript NM_001256071.3 (MANE Select); coding-DNA position 2509, G replaced by A.
Protein change: p.Glu837Lys; replaces glutamic acid 837 with lysine.
Molecular consequence: missense variant.
Genome position (GRCh38, 1-based): chr17:80,309,025, G>A. VCF-style: chr17-80309025-G-A. GRCh37 (hg19) VCF-style: chr17-78282825-G-A.
Other names: c.2656G>A, p.Glu886Lys (NM_001410195.1, NM_020914.5); c.2509G>A, p.Glu837Lys (NM_020954.4); short protein forms E837K, E886K.
Identifiers: ClinVar variation 3605835 (VCV003605835.2).

ClinVar aggregate classification (germline): Uncertain significance (1 of 4 stars; one submission).

gnomAD v4.1: 14 of 1,613,998 alleles (0.00087%); highest among the groups gnomAD compares: Non-Finnish European, 0.0011%; no homozygotes.

Submission:

Labcorp Genetics (formerly Invitae), Labcorp
Classification: Uncertain significance. Last evaluated: 2024-04-15. Review status: criteria provided, single submitter. Criteria: Invitae Variant Classification Sherloc (09022015). Collection method: clinical testing. Allele origin: germline.
Comment: This sequence change replaces glutamic acid, which is acidic and polar, with lysine, which is basic and polar, at codon 837 of the RNF213 protein (p.Glu837Lys). This variant is present in population databases (rs377041958, gnomAD 0.003%). This missense change has been observed in individual(s) with clinical features of RNF213-related conditions (Invitae). Advanced modeling of protein sequence and biophysical properties (such as structural, functional, and spatial information, amino acid conservation, physicochemical variation, residue mobility, and thermodynamic stability) performed at Invitae indicates that this missense variant is not expected to disrupt RNF213 protein function with a negative predictive value of 95%. In summary, the available evidence is currently insufficient to determine the role of this variant in disease. Therefore, it has been classified as a Variant of Uncertain Significance.